The following is an entry in ClinVar:

ClinVar aggregate classification (germline): Uncertain significance (1 of 4 stars; one submission).

Allele frequency attached by ClinVar (database versions not stated): TOPMed below 0.00001.

Submission:

Ambry Genetics
Classification: Uncertain significance. Last evaluated: 2022-04-19. Review status: criteria provided, single submitter. Criteria: Ambry Variant Classification Scheme 2023. Collection method: clinical testing. Allele origin: germline.
Comment: The p.L1200F variant (also known as c.3598C>T), located in coding exon 23 of the MYOM1 gene, results from a C to T substitution at nucleotide position 3598. The leucine at codon 1200 is replaced by phenylalanine, an amino acid with highly similar properties. This amino acid position is conserved. In addition, the in silico prediction for this alteration is inconclusive. Since supporting evidence is limited at this time, the clinical significance of this alteration remains unclear.

NM_003803.4(MYOM1):c.3598C>T (p.Leu1200Phe)

Gene: MYOM1 (myomesin 1; minus strand). Cytogenetic location: 18p11.31.
Variant type: single nucleotide variant.
Coding change: c.3598C>T on transcript NM_003803.4 (MANE Select); coding-DNA position 3598, C replaced by T.
Protein change: p.Leu1200Phe; replaces leucine 1200 with phenylalanine.
Molecular consequence: missense variant.
Genome position (GRCh38, 1-based): chr18:3,100,404, G>A on the plus strand (C>T on the coding strand, the complement: MYOM1 is on the minus strand). VCF-style: chr18-3100404-G-A. GRCh37 (hg19) VCF-style: chr18-3100402-G-A.
Other names: c.3310C>T, p.Leu1104Phe (NM_019856.2); short protein forms L1200F, L1104F.
Identifiers: ClinVar variation 1733035 (VCV001733035.2), dbSNP rs1039058791, ClinGen allele CA295497711.